The following is an entry in ClinVar:

NM_005560.6(LAMA5):c.9361-3C>T

Gene: LAMA5 (laminin subunit alpha 5; minus strand). Cytogenetic location: 20q13.33.
Variant type: single nucleotide variant.
Coding change: c.9361-3C>T on transcript NM_005560.6 (MANE Select); 3 bases into the intron before coding-DNA position 9361, C replaced by T.
Molecular consequence: intron variant.
Genome position (GRCh38, 1-based): chr20:62,312,319, G>A on the plus strand (C>T on the coding strand, the complement: LAMA5 is on the minus strand). VCF-style: chr20-62312319-G-A. GRCh37 (hg19) VCF-style: chr20-60887375-G-A.
Identifiers: ClinVar variation 1897100 (VCV001897100.5), dbSNP rs2516650029, ClinGen allele CA2580098339.

ClinVar aggregate classification (germline): Uncertain significance (1 of 4 stars; one submission).

Allele frequency attached by ClinVar (database versions not stated): gnomAD exomes below 0.00001.
gnomAD v4.1: 1 of 1,608,506 alleles (0.000062%); highest among the groups gnomAD compares: Non-Finnish European, 0.000085%; no homozygotes.

Submission:

Labcorp Genetics (formerly Invitae), Labcorp
Classification: Uncertain significance. Last evaluated: 2022-06-13. Review status: criteria provided, single submitter. Criteria: Invitae Variant Classification Sherloc (09022015). Collection method: clinical testing. Allele origin: germline.
Comment: This variant is not present in population databases (gnomAD no frequency). In summary, the available evidence is currently insufficient to determine the role of this variant in disease. Therefore, it has been classified as a Variant of Uncertain Significance. Variants that disrupt the consensus splice site are a relatively common cause of aberrant splicing (PMID: 17576681, 9536098). Algorithms developed to predict the effect of sequence changes on RNA splicing suggest that this variant is not likely to affect RNA splicing. This variant has not been reported in the literature in individuals affected with LAMA5-related conditions. This sequence change falls in intron 68 of the LAMA5 gene. It does not directly change the encoded amino acid sequence of the LAMA5 protein. It affects a nucleotide within the consensus splice site.

Literature cited by the submitters: PubMed 17576681; PubMed 9536098.